The following is an entry in ClinVar:

NM_001379180.1(ESRRB):c.626G>A (p.Arg209Gln)

Gene: ESRRB (estrogen related receptor beta; plus strand). Cytogenetic location: 14q24.3.
Variant type: single nucleotide variant.
Coding change: c.626G>A on transcript NM_001379180.1 (MANE Select); coding-DNA position 626, G replaced by A.
Protein change: p.Arg209Gln; replaces arginine 209 with glutamine.
Molecular consequence: missense variant.
Genome position (GRCh38, 1-based): chr14:76,482,064, G>A. VCF-style: chr14-76482064-G-A. GRCh37 (hg19) VCF-style: chr14-76948407-G-A.
Other names: c.563G>A, p.Arg188Gln (NM_004452.4); short protein forms R188Q, R209Q.
Identifiers: ClinVar variation 666831 (VCV000666831.7), dbSNP rs201691455, ClinGen allele CA7281640.

ClinVar aggregate classification (germline): Uncertain significance. Review status: criteria provided, multiple submitters, no conflicts (2 of 4 stars). 4 submissions from 4 submitters: Uncertain significance (4). Last evaluated 2023-10-14.

Allele frequency attached by ClinVar (database versions not stated): ExAC 0.00005; gnomAD 0.00006; gnomAD exomes 0.00006; TOPMed 0.00006.
gnomAD v4.1: 198 of 1,614,088 alleles (0.012%); highest among the groups gnomAD compares: Non-Finnish European, 0.016%; no homozygotes.

Submissions (4):

Ambry Genetics
Classification: Uncertain significance. Last evaluated: 2023-10-14. Review status: criteria provided, single submitter. Criteria: Ambry Variant Classification Scheme 2023. Collection method: clinical testing. Allele origin: germline.

Blueprint Genetics
Classification: Uncertain significance. Last evaluated: 2022-03-23. Review status: criteria provided, single submitter. Criteria: ACMG Guidelines, 2015. Collection method: clinical testing. Allele origin: germline.

Laboratory for Molecular Medicine, Mass General Brigham Personalized Medicine
Classification: Uncertain significance. Last evaluated: 2018-11-06. Review status: criteria provided, single submitter. Criteria: LMM Criteria. Collection method: clinical testing. Allele origin: germline. Observed: 1 variant allele.
Comment: The p.Arg188Gln variant in ESRRB has not been previously reported in individuals with hearing loss but has been identified in 0.01% (13/113744) of European chro mosomes by gnomAD. Computational prediction t ools and conservation analysis do not provide strong support for or against an i mpact to the protein. In summary, the clinical significance of the p.Arg188Gln v ariant is uncertain. ACMG/AMP Criteria applied: PM2_Supporting.

Breakthrough Genomics
Classification: Uncertain significance. Review status: criteria provided, single submitter. Criteria: ACMG Guidelines, 2015. Collection method: not provided. Allele origin: germline. Inheritance: Autosomal recessive inheritance. Affected: yes.